The following is an entry in ClinVar:

ClinVar aggregate classification (germline): Likely benign (0 of 4 stars; one submission).

Conditions:
AKT2-related disorder. Also called: AKT2-related condition.

gnomAD v4.1: 1 of 1,610,906 alleles (0.000062%); highest among the groups gnomAD compares: Non-Finnish European, 0.000085%; no homozygotes.

Submission:

PreventionGenetics, part of Exact Sciences
Classification: Likely benign for AKT2-related condition. Last evaluated: 2019-08-30. Review status: no assertion criteria provided. Collection method: clinical testing. Allele origin: germline.
Comment: This variant is classified as likely benign based on ACMG/AMP sequence variant interpretation guidelines (Richards et al. 2015 PMID: 25741868, with internal and published modifications).

NM_001626.6(AKT2):c.*4G>C

Gene: AKT2 (AKT serine/threonine kinase 2; minus strand). Cytogenetic location: 19q13.2.
Variant type: single nucleotide variant.
Coding change: c.*4G>C on transcript NM_001626.6 (MANE Select); 4 bases downstream of the stop codon, G replaced by C.
Molecular consequence: 3 prime UTR variant.
Genome position (GRCh38, 1-based): chr19:40,233,868, C>G on the plus strand (G>C on the coding strand, the complement: AKT2 is on the minus strand). VCF-style: chr19-40233868-C-G. GRCh37 (hg19) VCF-style: chr19-40739775-C-G.
Other names: c.*4G>C (NM_001243027.3, NM_001243028.3, NM_001330511.1).
Identifiers: ClinVar variation 3356940 (VCV003356940.1).
Genomic context (GRCh38, chr19:40,233,868, plus strand): 5'-TAGGGGGAAAAAACCACCCAGCGGTGATGGCAGCGAGCGTGCGTCCTCTGCGTGGGCAGA[C>G]TGCTCACTCGCGGATGCTGGCCGAGTAGGAGAACTGGGGGAAGTGGGTCCGCTGGTCCAG-3'